The following is an entry in ClinVar:

ClinVar aggregate classification (germline): Pathogenic (1 of 4 stars; one submission).

Conditions:
Generalized epilepsy with febrile seizures plus, type 1 (GEFSP1). Also called: GEFS+, TYPE 1. Identifiers: Orphanet 36387, MedGen C1858672, MONDO:0011416, OMIM 604233.

Submission:

Institute of Human Genetics, University of Leipzig Medical Center
Classification: Pathogenic for Generalized epilepsy with febrile seizures plus, type 1. Last evaluated: 2025-03-04. Review status: criteria provided, single submitter. Criteria: ACMG Guidelines, 2015. Collection method: clinical testing. Allele origin: unknown. Inheritance: Autosomal dominant inheritance. Affected: yes.
Comment: Criteria applied: PM5_STR,PM1,PM2,PP3_MOD

NM_001165963.4(SCN1A):c.3967C>A (p.Pro1323Thr)

Genes: SCN1A (sodium voltage-gated channel alpha subunit 1; minus strand), LOC102724058 (uncharacterized LOC102724058; plus strand). Cytogenetic location: 2q24.3.
Variant type: single nucleotide variant.
Coding change: c.3967C>A on transcript NM_001165963.4 (MANE Select); coding-DNA position 3967, C replaced by A.
Protein change: p.Pro1323Thr; replaces proline 1323 with threonine.
Molecular consequence: missense variant. On other transcripts: non-coding transcript variant (1).
Genome position (GRCh38, 1-based): chr2:166,009,754, G>T on the plus strand (C>A on the coding strand, the complement: SCN1A is on the minus strand). VCF-style: chr2-166009754-G-T. GRCh37 (hg19) VCF-style: chr2-166866264-G-T.
Other names: c.3883C>A, p.Pro1295Thr (NM_001165964.3, NM_001353957.2, NM_001353958.2); c.3967C>A, p.Pro1323Thr (NM_001202435.3, NM_001353948.2); c.3934C>A, p.Pro1312Thr (NM_001353949.2, NM_001353950.2, NM_001353951.2 and 2 more transcripts); c.3931C>A, p.Pro1311Thr (NM_001353954.2, NM_001353955.2); c.3880C>A, p.Pro1294Thr (NM_001353960.2); c.1525C>A, p.Pro509Thr (NM_001353961.2); short protein forms P1294T, P1295T, P1311T, P1312T, P1323T, P509T.
Identifiers: ClinVar variation 3773645 (VCV003773645.2).